The following is an entry in ClinVar:

NM_007194.4(CHEK2):c.471_592+809del

Gene: CHEK2 (checkpoint kinase 2; minus strand). Cytogenetic location: 22q12.1.
Variant type: Deletion.
Coding change: c.471_592+809del on transcript NM_007194.4 (MANE Select); coding-DNA position 471 through 809 bases into the intron after coding-DNA position 592, 931 bases deleted.
Molecular consequence: splice donor variant. On other transcripts: splice acceptor variant (1).
Genome position (GRCh38, 1-based): chr22:28,724,168-28,725,098, 931 bases deleted. GRCh37 (hg19): chr22:29,120,156-29,121,086.
Other names: c.-193_-72+809del (NM_001437942.1); c.444+145_482+718del (NM_001349956.3); c.471_592+809del (NM_145862.3); c.-307_-186+809del (NM_001257387.3); c.564_685+809del (NM_001438295.1, NM_001438293.1); c.600_721+809del (NM_001438294.1, NM_001005735.3).
Identifiers: ClinVar variation 4852793 (VCV004852793.1).

ClinVar aggregate classification (germline): Likely pathogenic (1 of 4 stars; one submission).

Conditions:
Familial cancer of breast. Also called: BREAST CANCER, FAMILIAL; Hereditary breast cancer; hereditary breast carcinoma. Identifiers: Orphanet 227535, MedGen C0346153, MONDO:0016419, OMIM 114480. Disease mechanism: loss of function.

Submission:

Clinical Genetics Laboratory, Skane University Hospital Lund
Classification: Likely pathogenic for Familial cancer of breast. Last evaluated: 2026-06-09. Review status: criteria provided, single submitter. Criteria: ACMG Guidelines, 2015. Collection method: clinical testing. Allele origin: germline. Affected: yes.
Comment: ACMG criterias used: PVS1, PM2.